The following is an entry in ClinVar:

NM_000132.4(F8):c.2113+472_2113+473dup

Gene: F8 (coagulation factor VIII; minus strand). Cytogenetic location: Xq28.
Variant type: Duplication.
Coding change: c.2113+472_2113+473dup on transcript NM_000132.4 (MANE Select); bases 472 to 473 of the intron after coding-DNA position 2113, 2 bases duplicated (TT; older notation c.2113+472_2113+473dupTT).
Molecular consequence: intron variant.
Genome position (GRCh38, 1-based): chrX:154,947,225-154,947,226, AA duplicated on the plus strand (TT on the coding strand, the reverse complement: F8 is on the minus strand); duplicating any 2 consecutive bases within chrX:154,947,225-154,947,249 gives the same sequence; the c. name uses the placement nearest the transcript's 3' end. VCF-style (leftmost placement, unchanged base first): chrX-154947224-G-GAA. GRCh37 (hg19) VCF-style: chrX-154175499-G-GAA.
Identifiers: ClinVar variation 4986710 (VCV004986710.1).

ClinVar aggregate classification (germline): Likely benign (1 of 4 stars; one submission).

Conditions:
F8-related disorder. Also called: F8-related condition.

Submission:

PreventionGenetics, part of Exact Sciences
Classification: Likely benign for F8-related condition. Last evaluated: 2026-04-16. Review status: criteria provided, single submitter. Criteria: ACMG Guidelines, 2015. Collection method: clinical testing. Allele origin: germline.
Comment: This variant is classified as likely benign based on ACMG/AMP sequence variant interpretation guidelines (Richards et al. 2015 PMID: 25741868, with internal and published modifications).